The following is an entry in ClinVar:

NM_005994.4(TBX2):c.366C>A (p.Gly122=)

Gene: TBX2 (T-box transcription factor 2; plus strand). Cytogenetic location: 17q23.2.
Variant type: single nucleotide variant.
Coding change: c.366C>A on transcript NM_005994.4 (MANE Select); coding-DNA position 366, C replaced by A.
Protein change: p.Gly122=; no amino-acid change (glycine 122 retained).
Molecular consequence: synonymous variant.
Genome position (GRCh38, 1-based): chr17:61,400,542, C>A. VCF-style: chr17-61400542-C-A. GRCh37 (hg19) VCF-style: chr17-59477903-C-A.
Identifiers: ClinVar variation 1225829 (VCV001225829.7), dbSNP rs75743672, ClinGen allele CA8689070.

ClinVar aggregate classification (germline): Benign/Likely benign. Review status: criteria provided, multiple submitters, no conflicts (2 of 4 stars). 4 submissions from 4 submitters: Benign (2); Likely benign (1). 1 of the submissions does not count toward it. Last evaluated 2024-11-27.

Conditions:
TBX2-related disorder. Also called: TBX2-related condition.

Allele frequency attached by ClinVar (database versions not stated): ESP Exome Variant Server 0.06939; gnomAD exomes 0.07093 and 0.11474; gnomAD 0.08916 and 0.09338; TOPMed 0.09815; 1000 Genomes Project 30x 0.14460; 1000 Genomes Project 0.14976.

Submissions (4):

Blueprint Genetics
Classification: Likely benign. Last evaluated: 2024-11-27. Review status: criteria provided, single submitter. Criteria: ACMG Guidelines, 2015. Collection method: clinical testing. Allele origin: germline.

GeneDx
Classification: Benign. Last evaluated: 2019-02-08. Review status: criteria provided, single submitter. Criteria: GeneDx Variant Classification Process June 2021. Collection method: clinical testing. Allele origin: germline. Affected: yes.

Breakthrough Genomics
Classification: Benign. Review status: criteria provided, single submitter. Criteria: ACMG Guidelines, 2015. Collection method: not provided. Allele origin: germline. Inheritance: Autosomal dominant inheritance. Affected: yes.

PreventionGenetics, part of Exact Sciences
Classification: Benign for TBX2-related condition. Last evaluated: 2019-08-13. Review status: no assertion criteria provided. Collection method: clinical testing. Allele origin: germline. Not counted in ClinVar's aggregate classification.
Comment: This variant is classified as benign based on ACMG/AMP sequence variant interpretation guidelines (Richards et al. 2015 PMID: 25741868, with internal and published modifications).